The following is an entry in ClinVar:

NM_000262.3(NAGA):c.1036G>A (p.Asp346Asn)

Gene: NAGA (alpha-N-acetylgalactosaminidase; minus strand). Cytogenetic location: 22q13.2.
Variant type: single nucleotide variant.
Coding change: c.1036G>A on transcript NM_000262.3 (MANE Select); coding-DNA position 1036, G replaced by A.
Protein change: p.Asp346Asn; replaces aspartic acid 346 with asparagine.
Molecular consequence: missense variant.
Genome position (GRCh38, 1-based): chr22:42,060,989, C>T on the plus strand (G>A on the coding strand, the complement: NAGA is on the minus strand). VCF-style: chr22-42060989-C-T. GRCh37 (hg19) VCF-style: chr22-42456993-C-T.
Other names: c.1036G>A, p.Asp346Asn (NM_001362848.1, NM_001362850.1); short protein forms D346N.
Identifiers: ClinVar variation 1945428 (VCV001945428.2), dbSNP rs370975865, ClinGen allele CA10263619.

ClinVar aggregate classification (germline): Uncertain significance (1 of 4 stars; one submission).

Conditions:
Alpha-N-acetylgalactosaminidase deficiency type 1. Also called: NAGA DEFICIENCY, TYPE I; NEUROAXONAL DYSTROPHY, SCHINDLER TYPE; SCHINDLER DISEASE, TYPE I; ALPHA-N-ACETYLGALACTOSAMINIDASE DEFICIENCY, TYPE I. Identifiers: Orphanet 3137, Orphanet 79279, Orphanet 79281, MedGen C1836544, MONDO:0012221, OMIM 609241.

Allele frequency attached by ClinVar (database versions not stated): TOPMed below 0.00001; ExAC 0.00001; ESP Exome Variant Server 0.00008.

Submission:

Labcorp Genetics (formerly Invitae), Labcorp
Classification: Uncertain significance for Alpha-N-acetylgalactosaminidase deficiency type 1. Last evaluated: 2022-03-11. Review status: criteria provided, single submitter. Criteria: Invitae Variant Classification Sherloc (09022015). Collection method: clinical testing. Allele origin: germline.
Comment: This sequence change replaces aspartic acid, which is acidic and polar, with asparagine, which is neutral and polar, at codon 346 of the NAGA protein (p.Asp346Asn). This variant is present in population databases (rs370975865, gnomAD 0.002%). This variant has not been reported in the literature in individuals affected with NAGA-related conditions. Algorithms developed to predict the effect of missense changes on protein structure and function (SIFT, PolyPhen-2, Align-GVGD) all suggest that this variant is likely to be tolerated. In summary, the available evidence is currently insufficient to determine the role of this variant in disease. Therefore, it has been classified as a Variant of Uncertain Significance.